The following is an entry in ClinVar:

ClinVar aggregate classification (germline): Uncertain significance (1 of 4 stars; one submission).

Conditions:
Charcot-Marie-Tooth disease axonal type 2O. Also called: CHARCOT-MARIE-TOOTH NEUROPATHY, AXONAL, TYPE 2O; CHARCOT-MARIE-TOOTH DISEASE, AXONAL, AUTOSOMAL DOMINANT, TYPE 2O; Charcot-Marie-Tooth Neuropathy Type 2O; Charcot-Marie-Tooth disease, axonal, type 20. Identifiers: Orphanet 284232, MedGen C3280220, MONDO:0013644, OMIM 614228.

Submission:

Labcorp Genetics (formerly Invitae), Labcorp
Classification: Uncertain significance for Charcot-Marie-Tooth disease axonal type 2O. Last evaluated: 2022-05-16. Review status: criteria provided, single submitter. Criteria: Invitae Variant Classification Sherloc (09022015). Collection method: clinical testing. Allele origin: germline.
Comment: This variant is not present in population databases (gnomAD no frequency). This sequence change replaces serine, which is neutral and polar, with proline, which is neutral and non-polar, at codon 247 of the DYNC1H1 protein (p.Ser247Pro). This variant has not been reported in the literature in individuals affected with DYNC1H1-related conditions. Algorithms developed to predict the effect of missense changes on protein structure and function are either unavailable or do not agree on the potential impact of this missense change (SIFT: "Deleterious"; PolyPhen-2: "Possibly Damaging"; Align-GVGD: "Class C0"). In summary, the available evidence is currently insufficient to determine the role of this variant in disease. Therefore, it has been classified as a Variant of Uncertain Significance.

NM_001376.5(DYNC1H1):c.739T>C (p.Ser247Pro)

Gene: DYNC1H1 (dynein cytoplasmic 1 heavy chain 1; plus strand). Cytogenetic location: 14q32.31.
Variant type: single nucleotide variant.
Coding change: c.739T>C on transcript NM_001376.5 (MANE Select); coding-DNA position 739, T replaced by C.
Protein change: p.Ser247Pro; replaces serine 247 with proline.
Molecular consequence: missense variant.
Genome position (GRCh38, 1-based): chr14:101,979,939, T>C. VCF-style: chr14-101979939-T-C. GRCh37 (hg19) VCF-style: chr14-102446276-T-C.
Other names: short protein forms S247P.
Identifiers: ClinVar variation 2164849 (VCV002164849.4), dbSNP rs2503679559, ClinGen allele CA391008995.